The following is an entry in ClinVar:

NM_000390.4(CHM):c.1674del (p.Asp559fs)

Gene: CHM (CHM Rab escort protein; minus strand). Cytogenetic location: Xq21.2.
Variant type: Deletion.
Coding change: c.1674del on transcript NM_000390.4 (MANE Select); coding-DNA position 1674, one base deleted (A; older notation c.1674delA).
Protein change: p.Asp559fs; shifts the reading frame from aspartic acid 559.
Molecular consequence: frameshift variant.
Genome position (GRCh38, 1-based): chrX:85,873,148, T deleted on the plus strand (A on the coding strand, the reverse complement: CHM is on the minus strand). VCF-style (leftmost placement, unchanged base first): chrX-85873147-CT-C. GRCh37 (hg19) VCF-style: chrX-85128152-CT-C.
Other names: c.1230del, p.Asp411fs (NM_001320959.1, NM_001362517.1, NM_001362518.2 and 1 more transcripts); short protein forms D559fs, D411fs.
Identifiers: ClinVar variation 2085526 (VCV002085526.4), dbSNP rs2520014545, ClinGen allele CA2580102015.

ClinVar aggregate classification (germline): Pathogenic (1 of 4 stars; one submission).

Submission:

Labcorp Genetics (formerly Invitae), Labcorp
Classification: Pathogenic. Last evaluated: 2022-01-16. Review status: criteria provided, single submitter. Criteria: Invitae Variant Classification Sherloc (09022015). Collection method: clinical testing. Allele origin: germline.
Comment: For these reasons, this variant has been classified as Pathogenic. This variant disrupts a region of the CHM protein in which other variant(s) (Deletion (Exon 15)) have been determined to be pathogenic (PMID: 28752371; Invitae). This suggests that this is a clinically significant region of the protein, and that variants that disrupt it are likely to be disease-causing. This variant has not been reported in the literature in individuals affected with CHM-related conditions. This variant is not present in population databases (gnomAD no frequency). This sequence change creates a premature translational stop signal (p.Asp559Thrfs*24) in the CHM gene. While this is not anticipated to result in nonsense mediated decay, it is expected to disrupt the last 95 amino acid(s) of the CHM protein.

Literature cited by the submitters: PubMed 28752371.